The following is an entry in ClinVar:

NM_004958.4(MTOR):c.4362C>T (p.His1454=)

Gene: MTOR (mechanistic target of rapamycin kinase; minus strand). Cytogenetic location: 1p36.22.
Variant type: single nucleotide variant.
Coding change: c.4362C>T on transcript NM_004958.4 (MANE Select); coding-DNA position 4362, C replaced by T.
Protein change: p.His1454=; no amino-acid change (histidine 1454 retained).
Molecular consequence: synonymous variant.
Genome position (GRCh38, 1-based): chr1:11,157,259, G>A on the plus strand (C>T on the coding strand, the complement: MTOR is on the minus strand). VCF-style: chr1-11157259-G-A. GRCh37 (hg19) VCF-style: chr1-11217316-G-A.
Other names: c.4362C>T, p.His1454= (NM_001386500.1); c.3114C>T, p.His1038= (NM_001386501.1); c.4362C>T (NM_004958.3).
Identifiers: ClinVar variation 1087076 (VCV001087076.10), dbSNP rs777132315, ClinGen allele CA589654.

ClinVar aggregate classification (germline): Likely benign. Review status: criteria provided, single submitter (1 of 4 stars). 2 submissions from 2 submitters: Likely benign (1). 1 of the submissions does not count toward it. Last evaluated 2024-05-28.

Conditions:
MTOR-related disorder. Also called: MTOR-related condition.

Allele frequency attached by ClinVar (database versions not stated): ExAC 0.00001; gnomAD exomes 0.00001; TOPMed 0.00001.
gnomAD v4.1: 8 of 1,614,052 alleles (0.0005%); highest among the groups gnomAD compares: African/African-American, 0.0013%; no homozygotes.

Submissions (2):

Labcorp Genetics (formerly Invitae), Labcorp
Classification: Likely benign. Last evaluated: 2024-05-28. Review status: criteria provided, single submitter. Criteria: Invitae Variant Classification Sherloc (09022015). Collection method: clinical testing. Allele origin: germline.

PreventionGenetics, part of Exact Sciences
Classification: Likely benign for MTOR-related condition. Last evaluated: 2024-07-02. Review status: no assertion criteria provided. Collection method: clinical testing. Allele origin: germline. Not counted in ClinVar's aggregate classification.
Comment: This variant is classified as likely benign based on ACMG/AMP sequence variant interpretation guidelines (Richards et al. 2015 PMID: 25741868, with internal and published modifications).